The following is an entry in ClinVar:

ClinVar aggregate classification (germline): Uncertain significance (1 of 4 stars; one submission).

Allele frequency attached by ClinVar (database versions not stated): TOPMed 0.00003; gnomAD 0.00004 and 0.00007; gnomAD exomes 0.00005 and 0.00009; ESP Exome Variant Server 0.00008; ExAC 0.00009.
gnomAD v4.1: 164 of 1,614,156 alleles (0.01%); highest among the groups gnomAD compares: Middle Eastern, 0.033%; 1 homozygote.

Submission:

Labcorp Genetics (formerly Invitae), Labcorp
Classification: Uncertain significance. Last evaluated: 2024-10-24. Review status: criteria provided, single submitter. Criteria: Invitae Variant Classification Sherloc (09022015). Collection method: clinical testing. Allele origin: germline.
Comment: This sequence change replaces threonine, which is neutral and polar, with methionine, which is neutral and non-polar, at codon 456 of the DPYS protein (p.Thr456Met). This variant is present in population databases (rs113309169, gnomAD 0.01%). This variant has not been reported in the literature in individuals affected with DPYS-related conditions. ClinVar contains an entry for this variant (Variation ID: 1422637). An algorithm developed to predict the effect of missense changes on protein structure and function (PolyPhen-2) suggests that this variant¬†is likely to be tolerated. In summary, the available evidence is currently insufficient to determine the role of this variant in disease. Therefore, it has been classified as a Variant of Uncertain Significance.

NM_001385.3(DPYS):c.1367C>T (p.Thr456Met)

Gene: DPYS (dihydropyrimidinase; minus strand). Cytogenetic location: 8q22.3.
Variant type: single nucleotide variant.
Coding change: c.1367C>T on transcript NM_001385.3 (MANE Select); coding-DNA position 1367, C replaced by T.
Protein change: p.Thr456Met; replaces threonine 456 with methionine.
Molecular consequence: missense variant.
Genome position (GRCh38, 1-based): chr8:104,392,860, G>A on the plus strand (C>T on the coding strand, the complement: DPYS is on the minus strand). VCF-style: chr8-104392860-G-A. GRCh37 (hg19) VCF-style: chr8-105405088-G-A.
Other names: short protein forms T456M.
Identifiers: ClinVar variation 1422637 (VCV001422637.4), dbSNP rs113309169, ClinGen allele CA4838297.